The following is an entry in ClinVar:

ClinVar aggregate classification (germline): Uncertain significance. Review status: criteria provided, multiple submitters, no conflicts (2 of 4 stars). 2 submissions from 2 submitters: Uncertain significance (2). Last evaluated 2022-05-01.

Conditions:
Primary familial hypertrophic cardiomyopathy (HCM). Identifiers: Orphanet 99739, MedGen C0949658, MeSH D024741, MONDO:0024573. Inheritance: Various modes of inheritance.

Allele frequency attached by ClinVar (database versions not stated): gnomAD exomes below 0.00001; TOPMed 0.00001; gnomAD 0.00003.
gnomAD v4.1: 3 of 1,613,212 alleles (0.00019%); highest among the groups gnomAD compares: Non-Finnish European, 0.00025%; no homozygotes.

Submissions (2):

CeGaT Center for Human Genetics Tuebingen
Classification: Uncertain significance. Last evaluated: 2022-05-01. Review status: criteria provided, single submitter. Criteria: CeGaT Center For Human Genetics Tuebingen Variant Classification Criteria Version 2. Collection method: clinical testing. Allele origin: germline. Affected: yes. Observed: 1 variant allele.
Comment: LDB3: PM2

Klaassen Lab, Charite University Medicine Berlin
Classification: Uncertain significance for Primary familial hypertrophic cardiomyopathy. Last evaluated: 2019-07-03. Review status: criteria provided, single submitter. Criteria: ACMG Guidelines, 2015. Collection method: research. Allele origin: germline. Affected: yes.

Literature cited by the submitters: PubMed 31333075 (cited by Klaassen Lab, Charite University Medicine Berlin); PubMed 31568572 (cited by Klaassen Lab, Charite University Medicine Berlin).

NM_007078.3(LDB3):c.66C>A (p.Asp22Glu)

Gene: LDB3 (LIM domain binding 3; plus strand). Cytogenetic location: 10q23.2.
Variant type: single nucleotide variant.
Coding change: c.66C>A on transcript NM_007078.3 (MANE Select); coding-DNA position 66, C replaced by A.
Protein change: p.Asp22Glu; replaces aspartic acid 22 with glutamic acid.
Molecular consequence: missense variant.
Genome position (GRCh38, 1-based): chr10:86,668,757, C>A. VCF-style: chr10-86668757-C-A. GRCh37 (hg19) VCF-style: chr10-88428514-C-A.
Other names: c.66C>A, p.Asp22Glu (NM_001080114.2, NM_001080115.2, NM_001080116.1 and 8 more transcripts); short protein forms D22E.
Identifiers: ClinVar variation 691827 (VCV000691827.25), dbSNP rs1261515174, ClinGen allele CA377448789.
Genomic context (GRCh38, chr10:86,668,757, plus strand): 5'-TTACAGTGTGACCCTGACTGGGCCCGGGCCCTGGGGCTTCCGTCTGCAGGGGGGCAAGGA[C>A]TTCAACATGCCCCTCACTATCTCCCGGGTGAGTGCACCCTGCCACAGCCTGGCACCCGAT-3'
Protein context (NP_009009.1, residues 12-32): PWGFRLQGGK[Asp22Glu]FNMPLTISRI